The following is an entry in ClinVar:

ClinVar aggregate classification (germline): Uncertain significance. Review status: criteria provided, multiple submitters, no conflicts (2 of 4 stars). 2 submissions from 2 submitters: Uncertain significance (2). Last evaluated 2024-11-05.

Conditions:
Inborn genetic diseases. Identifiers: MedGen C0950123, MeSH D030342.

Allele frequency attached by ClinVar (database versions not stated): TOPMed below 0.00001; ExAC 0.00001; gnomAD exomes 0.00002.
gnomAD v4.1: 28 of 1,614,054 alleles (0.0017%); highest among the groups gnomAD compares: South Asian, 0.0077%; no homozygotes.

Submissions (2):

Labcorp Genetics (formerly Invitae), Labcorp
Classification: Uncertain significance. Last evaluated: 2024-11-05. Review status: criteria provided, single submitter. Criteria: Invitae Variant Classification Sherloc (09022015). Collection method: clinical testing. Allele origin: germline.
Comment: This sequence change replaces arginine, which is basic and polar, with histidine, which is basic and polar, at codon 670 of the CNNM4 protein (p.Arg670His). This variant is present in population databases (rs769185337, gnomAD 0.01%). This variant has not been reported in the literature in individuals affected with CNNM4-related conditions. ClinVar contains an entry for this variant (Variation ID: 1510349). An algorithm developed to predict the effect of missense changes on protein structure and function outputs the following: PolyPhen-2: "Benign". The histidine amino acid residue is found in multiple mammalian species, which suggests that this missense change does not adversely affect protein function. In summary, the available evidence is currently insufficient to determine the role of this variant in disease. Therefore, it has been classified as a Variant of Uncertain Significance.

Ambry Genetics
Classification: Uncertain significance for Inborn genetic diseases. Last evaluated: 2024-06-07. Review status: criteria provided, single submitter. Criteria: Ambry Variant Classification Scheme 2023. Collection method: clinical testing. Allele origin: germline.

NM_020184.4(CNNM4):c.2009G>A (p.Arg670His)

Gene: CNNM4 (cyclin and CBS domain divalent metal cation transport mediator 4; plus strand). Cytogenetic location: 2q11.2.
Variant type: single nucleotide variant.
Coding change: c.2009G>A on transcript NM_020184.4 (MANE Select); coding-DNA position 2009, G replaced by A.
Protein change: p.Arg670His; replaces arginine 670 with histidine.
Molecular consequence: missense variant.
Genome position (GRCh38, 1-based): chr2:96,808,621, G>A. VCF-style: chr2-96808621-G-A. GRCh37 (hg19) VCF-style: chr2-97474358-G-A.
Other names: c.2009G>A (NM_020184.3); short protein forms R670H.
Identifiers: ClinVar variation 1510349 (VCV001510349.9), dbSNP rs769185337, ClinGen allele CA1783544.
Genomic context (GRCh38, chr2:96,808,621, plus strand): 5'-ACCGTTCCCCAGCACACCCCACCCCACTCAGCCGCTCAGCCTCCCTCAGTTACCCAGACC[G>A]CACAGACGTCTCAACTGCAGCAACCTTGGCAGGCAGCAGCAACCAGTTTGGCAGCTCTGT-3'
Protein context (NP_064569.3, residues 660-680): SRSASLSYPD[Arg670His]TDVSTAATLA